The following is an entry in ClinVar:

NM_002168.4(IDH2):c.734C>T (p.Pro245Leu)

Gene: IDH2 (isocitrate dehydrogenase (NADP(+)) 2; minus strand). Cytogenetic location: 15q26.1.
Variant type: single nucleotide variant.
Coding change: c.734C>T on transcript NM_002168.4 (MANE Select); coding-DNA position 734, C replaced by T.
Protein change: p.Pro245Leu; replaces proline 245 with leucine.
Molecular consequence: missense variant.
Genome position (GRCh38, 1-based): chr15:90,087,520, G>A on the plus strand (C>T on the coding strand, the complement: IDH2 is on the minus strand). VCF-style: chr15-90087520-G-A. GRCh37 (hg19) VCF-style: chr15-90630752-G-A.
Other names: c.578C>T, p.Pro193Leu (NM_001289910.1); c.344C>T, p.Pro115Leu (NM_001290114.2); short protein forms P115L, P193L, P245L.
Identifiers: ClinVar variation 1438194 (VCV001438194.9), dbSNP rs1900894030, ClinGen allele CA393801722.

ClinVar aggregate classification (germline): Uncertain significance. Review status: criteria provided, multiple submitters, no conflicts (2 of 4 stars). 2 submissions from 2 submitters: Uncertain significance (2). Last evaluated 2025-11-06.

Conditions:
Maffucci syndrome. Also called: Kast Syndrome; Dyschondrodysplasia with Hemangiomas; Enchondromatosis with Multiple Cavernous Hemangiomas; Hemangiomatosis Chondrodystrophica; Multiple Angiomas and Endochondromas; MULTIPLE ENCHONDROMATOSIS, MAFFUCCI TYPE. Identifiers: Orphanet 163634, MedGen C0024454, MONDO:0013808, OMIM 614569.
Enchondromatosis. Also called: Multiple cartilaginous enchondroses; Multiple enchondromatosis; DYSCHONDROPLASIA; Ollier disease; ENCHONDROMATOSIS, MULTIPLE, OLLIER TYPE. Identifiers: Orphanet 296, MedGen C0014084, MONDO:0008145, OMIM 166000, HP:0005701.
D-2-hydroxyglutaric aciduria 2 (D2HGA2). Identifiers: Orphanet 79315, MedGen C3150909, MONDO:0013345, OMIM 613657.

Allele frequency attached by ClinVar (database versions not stated): TOPMed 0.00001.

Submissions (2):

Clinical Genomics Laboratory, Washington University in St. Louis
Classification: Uncertain significance for Maffucci syndrome; Enchondromatosis. Last evaluated: 2025-11-06. Review status: criteria provided, single submitter. Criteria: Leon-Quintero et al. (Clin Genet. 2025). Collection method: clinical testing. Allele origin: somatic.
Comment: A IDH2 c.734C>T (p.Pro245Leu) variant was identified at an allelic fraction consistent with somatic origin. The IDH2 c.734C>T (p.Pro245Leu) variant, to our knowledge, has not been reported in the medical literature. This variant has been reported in the ClinVar database as a germline variant of uncertain significance by one submitter (ClinVar ID: 1438194). This variant is absent from the general population (gnomAD v4.1.0), indicating it is not a common variant. Computational predictors indicate that the variant is damaging, evidence that correlates with impact to IDH2 function. Due to limited information, and based on internally developed protocol informed by the ACMG/AMP guidelines for variant interpretation and gene-specific practices from the ClinGen Criteria Specification Registry (Leon-Quintero FZ et al., PMID: 39434542), the clinical significance of the IDH2 c.734C>T (p.Pro245Leu) is uncertain at this time.

Labcorp Genetics (formerly Invitae), Labcorp
Classification: Uncertain significance for D-2-hydroxyglutaric aciduria 2. Last evaluated: 2021-04-27. Review status: criteria provided, single submitter. Criteria: Invitae Variant Classification Sherloc (09022015). Collection method: clinical testing. Allele origin: germline.
Comment: This sequence change replaces proline with leucine at codon 245 of the IDH2 protein (p.Pro245Leu). The proline residue is highly conserved and there is a moderate physicochemical difference between proline and leucine. This variant is not present in population databases (ExAC no frequency). This variant has not been reported in the literature in individuals with IDH2-related conditions. Algorithms developed to predict the effect of missense changes on protein structure and function (SIFT, PolyPhen-2, Align-GVGD) all suggest that this variant is likely to be disruptive, but these predictions have not been confirmed by published functional studies and their clinical significance is uncertain. In summary, the available evidence is currently insufficient to determine the role of this variant in disease. Therefore, it has been classified as a Variant of Uncertain Significance.